The following is an entry in ClinVar:

NM_012469.4(PRPF6):c.2615C>T (p.Ser872Leu)

Gene: PRPF6 (pre-mRNA processing factor 6; plus strand). Cytogenetic location: 20q13.33.
Variant type: single nucleotide variant.
Coding change: c.2615C>T on transcript NM_012469.4 (MANE Select); coding-DNA position 2615, C replaced by T.
Protein change: p.Ser872Leu; replaces serine 872 with leucine.
Molecular consequence: missense variant.
Genome position (GRCh38, 1-based): chr20:64,031,986, C>T. VCF-style: chr20-64031986-C-T. GRCh37 (hg19) VCF-style: chr20-62663339-C-T.
Other names: short protein forms S872L.
Identifiers: ClinVar variation 1500690 (VCV001500690.9), dbSNP rs767793133, ClinGen allele CA9972534.

ClinVar aggregate classification (germline): Conflicting classifications of pathogenicity. Review status: criteria provided, conflicting classifications (1 of 4 stars). 3 submissions from 3 submitters: Uncertain significance (1); Benign (1); Likely benign (1). Last evaluated 2024-08-06.

Conditions:
Retinal dystrophy. Also called: Inherited retinal dystrophy. Identifiers: Orphanet 71862, MedGen C0854723, MeSH D058499, MONDO:0019118, HP:0000556.

Allele frequency attached by ClinVar (database versions not stated): gnomAD exomes 0.00001 and 0.00003; ExAC 0.00002; TOPMed 0.00002; gnomAD 0.00003.
gnomAD v4.1: 51 of 1,614,062 alleles (0.0032%); highest among the groups gnomAD compares: East Asian, 0.025%; no homozygotes.

Submissions (3):

Labcorp Genetics (formerly Invitae), Labcorp
Classification: Uncertain significance. Last evaluated: 2024-08-06. Review status: criteria provided, single submitter. Criteria: Invitae Variant Classification Sherloc (09022015). Collection method: clinical testing. Allele origin: germline.
Comment: This sequence change replaces serine, which is neutral and polar, with leucine, which is neutral and non-polar, at codon 872 of the PRPF6 protein (p.Ser872Leu). This variant is present in population databases (rs767793133, gnomAD 0.003%). This variant has not been reported in the literature in individuals affected with PRPF6-related conditions. ClinVar contains an entry for this variant (Variation ID: 1500690). Advanced modeling of protein sequence and biophysical properties (such as structural, functional, and spatial information, amino acid conservation, physicochemical variation, residue mobility, and thermodynamic stability) performed at Invitae indicates that this missense variant is not expected to disrupt PRPF6 protein function with a negative predictive value of 80%. In summary, the available evidence is currently insufficient to determine the role of this variant in disease. Therefore, it has been classified as a Variant of Uncertain Significance.

Blueprint Genetics
Classification: Likely benign. Last evaluated: 2024-07-18. Review status: criteria provided, single submitter. Criteria: ACMG Guidelines, 2015. Collection method: clinical testing. Allele origin: germline.

Dept Of Ophthalmology, Nagoya University
Classification: Benign for Retinal dystrophy. Last evaluated: 2023-10-01. Review status: criteria provided, single submitter. Criteria: Submitter's publication. Collection method: research. Allele origin: germline. Affected: yes.